The following is an entry in ClinVar:

ClinVar aggregate classification (germline): Uncertain significance (1 of 4 stars; one submission).

Submission:

GeneDx
Classification: Uncertain significance. Last evaluated: 2025-02-06. Review status: criteria provided, single submitter. Criteria: GeneDx Variant Classification Process June 2021. Collection method: clinical testing. Allele origin: germline. Affected: yes.
Comment: Not observed at significant frequency in large population cohorts (gnomAD); In-frame deletion of 3 amino acids in a non-repeat region; In silico analysis indicates that this variant does not alter protein structure/function; Has not been previously published as pathogenic or benign to our knowledge

NM_003410.4(ZFX):c.1165_1173del (p.Gly389_Gly391del)

Gene: ZFX (zinc finger protein X-linked; plus strand). Cytogenetic location: Xp22.11.
Variant type: Deletion.
Coding change: c.1165_1173del on transcript NM_003410.4 (MANE Select); coding-DNA positions 1165 to 1173, 9 bases deleted (GGCCTCGGC; older notation c.1165_1173delGGCCTCGGC).
Protein change: p.Gly389_Gly391del.
Molecular consequence: inframe deletion.
Genome position (GRCh38, 1-based): chrX:24,208,971-24,208,979, GGCCTCGGC deleted. VCF-style (leftmost placement, unchanged base first): chrX-24208970-TGGCCTCGGC-T. GRCh37 (hg19) VCF-style: chrX-24227087-TGGCCTCGGC-T.
Other names: c.1165_1173del, p.Gly389_Gly391del (NM_001178084.2, NM_001178085.1, NM_001178095.2); c.478_486del, p.Gly160_Gly162del (NM_001178086.2); c.1282_1290del, p.Gly428_Gly430del (NM_001330327.2).
Identifiers: ClinVar variation 4074517 (VCV004074517.1).